The following is an entry in ClinVar:

NM_000288.4(PEX7):c.830C>G (p.Ser277Cys)

Gene: PEX7 (peroxisomal biogenesis factor 7; plus strand). Cytogenetic location: 6q23.3.
Variant type: single nucleotide variant.
Coding change: c.830C>G on transcript NM_000288.4 (MANE Select); coding-DNA position 830, C replaced by G.
Protein change: p.Ser277Cys; replaces serine 277 with cysteine.
Molecular consequence: missense variant.
Genome position (GRCh38, 1-based): chr6:136,898,168, C>G. VCF-style: chr6-136898168-C-G. GRCh37 (hg19) VCF-style: chr6-137219306-C-G.
Other names: c.716C>G, p.Ser239Cys (NM_001410945.1); short protein forms S239C, S277C.
Identifiers: ClinVar variation 1953379 (VCV001953379.5), dbSNP rs2548109218, ClinGen allele CA365766594.

ClinVar aggregate classification (germline): Uncertain significance (1 of 4 stars; one submission).

Conditions:
Peroxisome biogenesis disorder 9B. Also called: PEX7-Related Refsum Disease; Refsum disease, adult, 2; PEROXISOME BIOGENESIS DISORDER, PEX7-RELATED, ATYPICAL. Identifiers: Orphanet 773, MedGen C2749346, MONDO:0013945, OMIM 614879.

Submission:

Labcorp Genetics (formerly Invitae), Labcorp
Classification: Uncertain significance for Peroxisome biogenesis disorder 9B. Last evaluated: 2025-01-13. Review status: criteria provided, single submitter. Criteria: Invitae Variant Classification Sherloc (09022015). Collection method: clinical testing. Allele origin: germline.
Comment: This sequence change replaces serine, which is neutral and polar, with cysteine, which is neutral and slightly polar, at codon 277 of the PEX7 protein (p.Ser277Cys). This variant is not present in population databases (gnomAD no frequency). This variant has not been reported in the literature in individuals affected with PEX7-related conditions. ClinVar contains an entry for this variant (Variation ID: 1953379). An algorithm developed to predict the effect of missense changes on protein structure and function (PolyPhen-2) suggests that this variant is likely to be tolerated. In summary, the available evidence is currently insufficient to determine the role of this variant in disease. Therefore, it has been classified as a Variant of Uncertain Significance.